The following is an entry in ClinVar:

ClinVar aggregate classification (germline): Benign/Likely benign. Review status: criteria provided, multiple submitters, no conflicts (2 of 4 stars). 2 submissions from 2 submitters: Benign (1); Likely benign (1). Last evaluated 2025-05-27.

Conditions:
Tuberous sclerosis 2 (TSC2). Identifiers: Orphanet 805, MedGen C1860707, MONDO:0013199, OMIM 613254.

Submissions (2):

Myriad Genetics, Inc.
Classification: Benign for Tuberous sclerosis 2. Last evaluated: 2025-05-27. Review status: criteria provided, single submitter. Criteria: Myriad Autosomal Dominant, Autosomal Recessive and X-Linked Classification Criteria (2023). Collection method: clinical testing. Allele origin: unknown.
Comment: This variant is considered benign. This variant is a silent/synonymous amino acid change and it is not expected to impact splicing.

Labcorp Genetics (formerly Invitae), Labcorp
Classification: Likely benign for Tuberous sclerosis 2. Last evaluated: 2022-04-12. Review status: criteria provided, single submitter. Criteria: Invitae Variant Classification Sherloc (09022015). Collection method: clinical testing. Allele origin: germline.

NM_000548.5(TSC2):c.3075C>G (p.Thr1025=)

Gene: TSC2 (TSC complex subunit 2; plus strand). Cytogenetic location: 16p13.3.
Variant type: single nucleotide variant.
Coding change: c.3075C>G on transcript NM_000548.5 (MANE Select); coding-DNA position 3075, C replaced by G.
Protein change: p.Thr1025=; no amino-acid change (threonine 1025 retained).
Molecular consequence: synonymous variant. On other transcripts: non-coding transcript variant (5).
Genome position (GRCh38, 1-based): chr16:2,079,140, C>G. VCF-style: chr16-2079140-C-G. GRCh37 (hg19) VCF-style: chr16-2129141-C-G.
Other names: c.2943C>G, p.Thr981= (NM_001077183.3, NM_001370404.1, NM_001406665.1); c.3075C>G, p.Thr1025= (NM_001114382.3); c.2835C>G, p.Thr945= (NM_001318827.2); c.2799C>G, p.Thr933= (NM_001318829.2); c.2343C>G, p.Thr781= (NM_001318831.2, NM_001406687.1, NM_001406688.1); c.2976C>G, p.Thr992= (NM_001318832.2); c.2946C>G, p.Thr982= (NM_001363528.2, NM_001370405.1, NM_021055.3); c.3072C>G, p.Thr1024= (NM_001406663.1, NM_001406664.1); and 18 more.
Identifiers: ClinVar variation 2125371 (VCV002125371.5), dbSNP rs1596382606, ClinGen allele CA493042750.